The following is an entry in ClinVar:

NM_181882.3(PRX):c.4097G>A (p.Gly1366Glu)

Gene: PRX (periaxin; minus strand). Cytogenetic location: 19q13.2.
Variant type: single nucleotide variant.
Coding change: c.4097G>A on transcript NM_181882.3 (MANE Select); coding-DNA position 4097, G replaced by A.
Protein change: p.Gly1366Glu; replaces glycine 1366 with glutamic acid.
Molecular consequence: missense variant. On other transcripts: 3 prime UTR variant (1).
Genome position (GRCh38, 1-based): chr19:40,394,255, C>T on the plus strand (G>A on the coding strand, the complement: PRX is on the minus strand). VCF-style: chr19-40394255-C-T. GRCh37 (hg19) VCF-style: chr19-40900162-C-T.
Other names: c.*4302G>A (NM_020956.2); short protein forms G1366E.
Identifiers: ClinVar variation 916825 (VCV000916825.6), dbSNP rs748112276, ClinGen allele CA9443706.

ClinVar aggregate classification (germline): Uncertain significance. Review status: criteria provided, multiple submitters, no conflicts (2 of 4 stars). 2 submissions from 2 submitters: Uncertain significance (2). Last evaluated 2021-03-17.

Conditions:
Charcot-Marie-Tooth disease. Also called: Charcot-Marie-Tooth Hereditary Neuropathy; Charcot-Marie-Tooth Neuropathy. Identifiers: Orphanet 166, MedGen C0007959, MONDO:0015626.
Charcot-Marie-Tooth disease type 4. Also called: Charcot-Marie-Tooth, Type 4; Charcot-Marie-Tooth disease, type IV. Identifiers: Orphanet 64749, MedGen C4082197, MONDO:0018995.

Allele frequency attached by ClinVar (database versions not stated): gnomAD exomes below 0.00001; ExAC 0.00001.

Submissions (2):

Labcorp Genetics (formerly Invitae), Labcorp
Classification: Uncertain significance for Charcot-Marie-Tooth disease type 4. Last evaluated: 2021-03-17. Review status: criteria provided, single submitter. Criteria: Invitae Variant Classification Sherloc (09022015). Collection method: clinical testing. Allele origin: germline.
Comment: In summary, the available evidence is currently insufficient to determine the role of this variant in disease. Therefore, it has been classified as a Variant of Uncertain Significance. Algorithms developed to predict the effect of missense changes on protein structure and function are either unavailable or do not agree on the potential impact of this missense change (SIFT: "Deleterious"; PolyPhen-2: "Probably Damaging"; Align-GVGD: "Class C0"). This variant has not been reported in the literature in individuals with PRX-related conditions. ClinVar contains an entry for this variant (Variation ID: 916825). This variant is present in population databases (rs748112276, ExAC 0.002%). This sequence change replaces glycine with glutamic acid at codon 1366 of the PRX protein (p.Gly1366Glu). The glycine residue is highly conserved and there is a moderate physicochemical difference between glycine and glutamic acid.

Molecular Genetics Laboratory, London Health Sciences Centre
Classification: Uncertain significance for Charcot-Marie-Tooth disease. Review status: criteria provided, single submitter. Criteria: ACMG Guidelines, 2015. Collection method: clinical testing. Allele origin: germline. Affected: yes.